The following is an entry in ClinVar:

NM_001854.4(COL11A1):c.3985G>T (p.Asp1329Tyr)

Gene: COL11A1 (collagen type XI alpha 1 chain; minus strand). Cytogenetic location: 1p21.1.
Variant type: single nucleotide variant.
Coding change: c.3985G>T on transcript NM_001854.4 (MANE Select); coding-DNA position 3985, G replaced by T.
Protein change: p.Asp1329Tyr; replaces aspartic acid 1329 with tyrosine.
Molecular consequence: missense variant. On other transcripts: non-coding transcript variant (1).
Genome position (GRCh38, 1-based): chr1:102,913,684, C>A on the plus strand (G>T on the coding strand, the complement: COL11A1 is on the minus strand). VCF-style: chr1-102913684-C-A. GRCh37 (hg19) VCF-style: chr1-103379240-C-A.
Other names: c.4021G>T, p.Asp1341Tyr (NM_080629.3); c.3637G>T, p.Asp1213Tyr (NM_080630.4, NM_001168249.1); c.3868G>T, p.Asp1290Tyr (NM_001190709.2); short protein forms D1213Y, D1290Y, D1329Y, D1341Y.
Identifiers: ClinVar variation 1719448 (VCV001719448.5), dbSNP rs2524470091, ClinGen allele CA341160365.

ClinVar aggregate classification (germline): Uncertain significance (1 of 4 stars; one submission).

Submission:

Labcorp Genetics (formerly Invitae), Labcorp
Classification: Uncertain significance. Last evaluated: 2022-09-14. Review status: criteria provided, single submitter. Criteria: Invitae Variant Classification Sherloc (09022015). Collection method: clinical testing. Allele origin: germline.
Comment: This variant is not present in population databases (gnomAD no frequency). This sequence change replaces aspartic acid, which is acidic and polar, with tyrosine, which is neutral and polar, at codon 1329 of the COL11A1 protein (p.Asp1329Tyr). This variant has not been reported in the literature in individuals affected with COL11A1-related conditions. Advanced modeling of protein sequence and biophysical properties (such as structural, functional, and spatial information, amino acid conservation, physicochemical variation, residue mobility, and thermodynamic stability) has been performed at Invitae for this missense variant, however the output from this modeling did not meet the statistical confidence thresholds required to predict the impact of this variant on COL11A1 protein function. In summary, the available evidence is currently insufficient to determine the role of this variant in disease. Therefore, it has been classified as a Variant of Uncertain Significance.